The following is an entry in ClinVar:

ClinVar aggregate classification (germline): Uncertain significance. Review status: criteria provided, multiple submitters, no conflicts (2 of 4 stars). 3 submissions from 3 submitters: Uncertain significance (2). 1 of the submissions does not count toward it. Last evaluated 2024-05-28.

Allele frequency attached by ClinVar (database versions not stated): TOPMed below 0.00001; gnomAD 0.00001 and 0.00002; gnomAD exomes 0.00002; ExAC 0.00003; 1000 Genomes Project 30x 0.00031; 1000 Genomes Project 0.00040.
gnomAD v4.1: 30 of 1,614,160 alleles (0.0019%); highest among the groups gnomAD compares: African/African-American, 0.0027%; no homozygotes.

Submissions (3):

Blueprint Genetics
Classification: Uncertain significance. Last evaluated: 2024-05-28. Review status: criteria provided, single submitter. Criteria: ACMG Guidelines, 2015. Collection method: clinical testing. Allele origin: germline.

Labcorp Genetics (formerly Invitae), Labcorp
Classification: Uncertain significance. Last evaluated: 2022-03-10. Review status: criteria provided, single submitter. Criteria: Invitae Variant Classification Sherloc (09022015). Collection method: clinical testing. Allele origin: germline.
Comment: In summary, the available evidence is currently insufficient to determine the role of this variant in disease. Therefore, it has been classified as a Variant of Uncertain Significance. Algorithms developed to predict the effect of missense changes on protein structure and function are either unavailable or do not agree on the potential impact of this missense change (SIFT: "Tolerated"; PolyPhen-2: "Probably Damaging"; Align-GVGD: "Class C15"). ClinVar contains an entry for this variant (Variation ID: 559245). This variant has not been reported in the literature in individuals affected with TMEM126A-related conditions. This variant is present in population databases (rs377476349, gnomAD 0.01%). This sequence change replaces arginine, which is basic and polar, with cysteine, which is neutral and slightly polar, at codon 64 of the TMEM126A protein (p.Arg64Cys).

Mayo Clinic Laboratories, Mayo Clinic
Classification: Uncertain significance. Last evaluated: 2016-02-22. Review status: no assertion criteria provided. Collection method: clinical testing. Allele origin: unknown. Not counted in ClinVar's aggregate classification.

NM_032273.4(TMEM126A):c.190C>T (p.Arg64Cys)

Gene: TMEM126A (transmembrane protein 126A; plus strand). Cytogenetic location: 11q14.1.
Variant type: single nucleotide variant.
Coding change: c.190C>T on transcript NM_032273.4 (MANE Select); coding-DNA position 190, C replaced by T.
Protein change: p.Arg64Cys; replaces arginine 64 with cysteine.
Molecular consequence: missense variant. On other transcripts: 5 prime UTR variant (1).
Genome position (GRCh38, 1-based): chr11:85,654,166, C>T. VCF-style: chr11-85654166-C-T. GRCh37 (hg19) VCF-style: chr11-85365210-C-T.
Other names: c.-21C>T (NM_001244735.2); short protein forms R64C.
Identifiers: ClinVar variation 559245 (VCV000559245.13), dbSNP rs377476349, ClinGen allele CA6212716.